The following is an entry in ClinVar:

NM_001384140.1(PCDH15):c.2321del (p.Ala774fs)

Gene: PCDH15 (protocadherin related 15; minus strand). Cytogenetic location: 10q21.1.
Variant type: Deletion.
Coding change: c.2321del on transcript NM_001384140.1 (MANE Select); coding-DNA position 2321, one base deleted (C; older notation c.2321delC).
Protein change: p.Ala774fs; shifts the reading frame from alanine 774.
Molecular consequence: frameshift variant.
Genome position (GRCh38, 1-based): chr10:54,023,097, G deleted on the plus strand (C on the coding strand, the reverse complement: PCDH15 is on the minus strand). VCF-style (leftmost placement, unchanged base first): chr10-54023096-TG-T. GRCh37 (hg19) VCF-style: chr10-55782856-TG-T.
Other names: c.2336del, p.Ala779fs (NM_001142763.2, NM_001142771.2); c.2321del, p.Ala774fs (NM_001142764.2, NM_001142766.2, NM_001142770.3 and 5 more transcripts); c.2108del, p.Ala703fs (NM_001142765.2); c.2210del, p.Ala737fs (NM_001142767.2); c.2255del, p.Ala752fs (NM_001142768.2, NM_001142773.2, NM_001354404.2); c.2357delC, p.Ala786Glufs (NM_001142769.4); c.2342del, p.Ala781fs (NM_001354411.2); short protein forms A703fs, A737fs, A752fs, A774fs, A779fs, A781fs, A786fs.
Identifiers: ClinVar variation 1074873 (VCV001074873.6), dbSNP rs2135322427, ClinGen allele CA2499220285.
Genomic context (GRCh38, chr10:54,023,096, plus strand): 5'-TCCATCTGTTGCCACAACAACAAGTTCATAGTAGTCCCTGACTTCTCTGTTAAGCTTCAC[TG>T]CTGTGTAAATGCTCCCATTGGATGTGATACGAAAAAGATTATTAAAGTTACCCAAACTGT-3'

ClinVar aggregate classification (germline): Pathogenic (1 of 4 stars; one submission).

Submission:

Labcorp Genetics (formerly Invitae), Labcorp
Classification: Pathogenic. Last evaluated: 2020-07-28. Review status: criteria provided, single submitter. Criteria: Invitae Variant Classification Sherloc (09022015). Collection method: clinical testing. Allele origin: germline.
Comment: This sequence change creates a premature translational stop signal (p.Ala774Glufs*2) in the PCDH15 gene. It is expected to result in an absent or disrupted protein product. For these reasons, this variant has been classified as Pathogenic. Loss-of-function variants in PCDH15 are known to be pathogenic (PMID: 11398101, 11487575, 14570705). This variant has not been reported in the literature in individuals with PCDH15-related conditions. This variant is not present in population databases (ExAC no frequency).

Literature cited by the submitters: PubMed 11398101; PubMed 11487575; PubMed 14570705.